The following is an entry in ClinVar:

ClinVar aggregate classification (germline): Likely benign. Review status: criteria provided, single submitter (1 of 4 stars). 2 submissions from 2 submitters: Likely benign (1). 1 of the submissions does not count toward it. Last evaluated 2024-12-25.

Conditions:
Frontotemporal dementia and/or amyotrophic lateral sclerosis 1 (FTDALS1). Also called: Frontotemporal dementia with motor neuron disease 1; C9orf72 Frontotemporal Dementia and/or Amyotrophic Lateral Sclerosis. Identifiers: Orphanet 275872, MedGen C5779877, MONDO:0007105, OMIM 105550.
Paget disease of bone 2, early-onset (PDB2). Also called: Paget disease of bone 2. Identifiers: MedGen C4085251, MONDO:0011183, OMIM 602080.
SQSTM1-related disorder. Also called: SQSTM1-Related Disorders.

Allele frequency attached by ClinVar (database versions not stated): gnomAD exomes 0.00002 and 0.00005; TOPMed 0.00003; ExAC 0.00004.
gnomAD v4.1: 30 of 1,613,308 alleles (0.0019%); highest among the groups gnomAD compares: East Asian, 0.04%; no homozygotes.

Submissions (2):

Labcorp Genetics (formerly Invitae), Labcorp
Classification: Likely benign for Paget disease of bone 2, early-onset; Frontotemporal dementia and/or amyotrophic lateral sclerosis 1. Last evaluated: 2024-12-25. Review status: criteria provided, single submitter. Criteria: Invitae Variant Classification Sherloc (09022015). Collection method: clinical testing. Allele origin: germline.

PreventionGenetics, part of Exact Sciences
Classification: Likely benign for SQSTM1-related condition. Last evaluated: 2019-07-15. Review status: no assertion criteria provided. Collection method: clinical testing. Allele origin: germline. Not counted in ClinVar's aggregate classification.
Comment: This variant is classified as likely benign based on ACMG/AMP sequence variant interpretation guidelines (Richards et al. 2015 PMID: 25741868, with internal and published modifications).

NM_003900.5(SQSTM1):c.673+10G>C

Gene: SQSTM1 (sequestosome 1; plus strand). Cytogenetic location: 5q35.3.
Variant type: single nucleotide variant.
Coding change: c.673+10G>C on transcript NM_003900.5 (MANE Select); 10 bases into the intron after coding-DNA position 673, G replaced by C.
Molecular consequence: intron variant.
Genome position (GRCh38, 1-based): chr5:179,824,333, G>C. VCF-style: chr5-179824333-G-C. GRCh37 (hg19) VCF-style: chr5-179251333-G-C.
Other names: c.421+10G>C (NM_001142298.2, NM_001142299.2).
Identifiers: ClinVar variation 751240 (VCV000751240.10), dbSNP rs753023157, ClinGen allele CA3600593.